The following is an entry in ClinVar:

NM_014239.4(EIF2B2):c.936_937del (p.Val312_Phe313insTer)

Gene: EIF2B2 (eukaryotic translation initiation factor 2B subunit beta; plus strand). Cytogenetic location: 14q24.3.
Variant type: Microsatellite.
Coding change: c.936_937del on transcript NM_014239.4 (MANE Select); coding-DNA positions 936 to 937, 2 bases deleted (GT; older notation c.936_937delGT).
Protein change: p.Val312_Phe313insTer.
Molecular consequence: frameshift variant.
Genome position (GRCh38, 1-based): chr14:75,009,068-75,009,069, GT deleted; deleting any 2 consecutive bases within chr14:75,009,065-75,009,069 gives the same sequence; the c. name uses the placement nearest the transcript's 3' end. VCF-style (leftmost placement, unchanged base first): chr14-75009064-CTG-C. GRCh37 (hg19) VCF-style: chr14-75475767-CTG-C.
Identifiers: ClinVar variation 2804360 (VCV002804360.3), dbSNP rs2503011630, ClinGen allele CA2575756826.
Genomic context (GRCh38, chr14:75,009,064, plus strand): 5'-CCTTTAGCATGTGTGCTTGCCTTTCAGGGGACATTCTGGAGAAGGTCAGCGTGCATTGCC[CTG>C]TGTTTGACTACGTTCCCCCAGAGCTCATTACCCTCTTTATCTCCAACATTGGTGGGAATG-3'

ClinVar aggregate classification (germline): Pathogenic (1 of 4 stars; one submission).

Submission:

Labcorp Genetics (formerly Invitae), Labcorp
Classification: Pathogenic. Last evaluated: 2023-08-30. Review status: criteria provided, single submitter. Criteria: Invitae Variant Classification Sherloc (09022015). Collection method: clinical testing. Allele origin: germline.
Comment: For these reasons, this variant has been classified as Pathogenic. This variant disrupts a region of the EIF2B2 protein in which other variant(s) (p.Val316Asp) have been determined to be pathogenic (PMID: 3343270, 11704758, 14993275, 15060152). This suggests that this is a clinically significant region of the protein, and that variants that disrupt it are likely to be disease-causing. This variant has not been reported in the literature in individuals affected with EIF2B2-related conditions. This variant is not present in population databases (gnomAD no frequency). This sequence change creates a premature translational stop signal (p.Phe313*) in the EIF2B2 gene. While this is not anticipated to result in nonsense mediated decay, it is expected to disrupt the last 39 amino acid(s) of the EIF2B2 protein.

Literature cited by the submitters: PubMed 3343270; PubMed 11704758; PubMed 14993275; PubMed 15060152.